The following is an entry in ClinVar:

NM_001276270.2(MBD4):c.1102A>G (p.Lys368Glu)

Gene: MBD4 (methyl-CpG binding domain 4, DNA glycosylase; minus strand). Cytogenetic location: 3q21.3.
Variant type: single nucleotide variant.
Coding change: c.1102A>G on transcript NM_001276270.2 (MANE Select); coding-DNA position 1102, A replaced by G.
Protein change: p.Lys368Glu; replaces lysine 368 with glutamic acid.
Molecular consequence: missense variant. On other transcripts: intron variant (1).
Genome position (GRCh38, 1-based): chr3:129,436,542, T>C on the plus strand (A>G on the coding strand, the complement: MBD4 is on the minus strand). VCF-style: chr3-129436542-T-C. GRCh37 (hg19) VCF-style: chr3-129155385-T-C.
Other names: c.1102A>G, p.Lys368Glu (NM_001276271.2, NM_001276272.2, NM_003925.3); c.247+1266A>G (NM_001276273.2); short protein forms K368E.
Identifiers: ClinVar variation 3662509 (VCV003662509.2).

ClinVar aggregate classification (germline): Uncertain significance (1 of 4 stars; one submission).

Submission:

Labcorp Genetics (formerly Invitae), Labcorp
Classification: Uncertain significance. Last evaluated: 2024-08-15. Review status: criteria provided, single submitter. Criteria: Invitae Variant Classification Sherloc (09022015). Collection method: clinical testing. Allele origin: germline.
Comment: This sequence change replaces lysine, which is basic and polar, with glutamic acid, which is acidic and polar, at codon 368 of the MBD4 protein (p.Lys368Glu). This variant is not present in population databases (gnomAD no frequency). This variant has not been reported in the literature in individuals affected with MBD4-related conditions. An algorithm developed to predict the effect of missense changes on protein structure and function outputs the following: PolyPhen-2: "Benign". The glutamic acid amino acid residue is found in multiple mammalian species, which suggests that this missense change does not adversely affect protein function. In summary, the available evidence is currently insufficient to determine the role of this variant in disease. Therefore, it has been classified as a Variant of Uncertain Significance.